The following is an entry in ClinVar:

ClinVar aggregate classification (germline): Conflicting classifications of pathogenicity. Review status: criteria provided, conflicting classifications (1 of 4 stars). 4 submissions from 4 submitters: Uncertain significance (3); Likely benign (1). Last evaluated 2025-05-13.

Conditions:
Hereditary cancer-predisposing syndrome. Also called: Neoplastic Syndromes, Hereditary; Hereditary Cancer Syndrome; Hereditary neoplastic syndrome; Tumor predisposition. Identifiers: Orphanet 140162, MedGen C0027672, MeSH D009386, MONDO:0015356.
Hereditary breast ovarian cancer syndrome. Also called: Hereditary breast and/or ovarian cancer syndrome; Breast and ovarian cancer; BRCA1- and BRCA2-Associated Hereditary Breast and Ovarian Cancer; Hereditary breast and ovarian cancer syndrome; Hereditary breast and ovarian cancer syndrome (HBOC); Hereditary breast and ovarian cancer. Identifiers: Orphanet 145, MedGen C0677776, MeSH D061325, MONDO:0003582. Disease mechanism: loss of function.

Submissions (4):

Quest Diagnostics Nichols Institute San Juan Capistrano
Classification: Uncertain significance. Last evaluated: 2025-05-13. Review status: criteria provided, single submitter. Criteria: Quest Diagnostics criteria. Collection method: clinical testing. Allele origin: unknown.
Comment: The BRCA1 c.4079G>A (p.Ser1360Asn) variant has been reported in the published literature in to be located in a region of the BRCA1 gene that is tolerant to missense sequence changes (PMID: 31911673 (2020)). To the best of our knowledge, this variant has not been reported in individuals with BRCA1-related disorders. This variant has not been reported in large, multi-ethnic general populations (Genome Aggregation Database). Analysis of this variant using bioinformatics tools for the prediction of the effect of amino acid changes on protein structure and function yielded predictions that this variant is benign. Based on the available information, we are unable to determine the clinical significance of this variant.

Labcorp Genetics (formerly Invitae), Labcorp
Classification: Uncertain significance for Hereditary breast ovarian cancer syndrome. Last evaluated: 2025-05-07. Review status: criteria provided, single submitter. Criteria: Invitae Variant Classification Sherloc (09022015). Collection method: clinical testing. Allele origin: germline.
Comment: This sequence change replaces serine, which is neutral and polar, with asparagine, which is neutral and polar, at codon 1360 of the BRCA1 protein (p.Ser1360Asn). This variant is not present in population databases (gnomAD no frequency). This variant has not been reported in the literature in individuals affected with BRCA1-related conditions. ClinVar contains an entry for this variant (Variation ID: 1060654). Invitae Evidence Modeling of protein sequence and biophysical properties (such as structural, functional, and spatial information, amino acid conservation, physicochemical variation, residue mobility, and thermodynamic stability) indicates that this missense variant is not expected to disrupt BRCA1 protein function with a negative predictive value of 80%. In summary, the available evidence is currently insufficient to determine the role of this variant in disease. Therefore, it has been classified as a Variant of Uncertain Significance.

University of Washington Department of Laboratory Medicine, University of Washington
Classification: Likely benign for Hereditary cancer-predisposing syndrome. Last evaluated: 2023-03-23. Review status: criteria provided, single submitter. Criteria: Dines et al. (Genet Med. 2020). Collection method: curation. Allele origin: germline.
Comment: Missense variant in a coldspot region where missense variants are very unlikely to be pathogenic (PMID:31911673).

BRCA1 coldspot (exon 11 using historical exon numbering). Reclassification based on statistical prior probability

ARUP Laboratories, Molecular Genetics and Genomics, ARUP Laboratories
Classification: Uncertain significance. Last evaluated: 2022-03-10. Review status: criteria provided, single submitter. Criteria: ARUP Molecular Germline Variant Investigation Process 2021. Collection method: clinical testing. Allele origin: germline.
Comment: The BRCA1 c.4079G>A; p.Ser1360Asn variant, to our knowledge, is not reported in the medical literature but is reported in ClinVar (Variation ID: 1060654). This variant is absent from the Genome Aggregation Database, indicating it is not a common polymorphism. The serine at codon 1360 is weakly conserved, and computational analyses are uncertain whether this variant is neutral or deleterious (REVEL: 0.354). Due to limited information, the clinical significance of this variant is uncertain at this time.

Literature cited by the submitters: PubMed 31911673 (cited by Quest Diagnostics Nichols Institute San Juan Capistrano).

NM_007294.4(BRCA1):c.4079G>A (p.Ser1360Asn)

Genes: BRCA1 (BRCA1 DNA repair associated; minus strand), LOC126862571 (BRD4-independent group 4 enhancer GRCh37_chr17:41243136-41244335; plus strand). Cytogenetic location: 17q21.31.
Variant type: single nucleotide variant.
Coding change: c.4079G>A on transcript NM_007294.4 (MANE Select); coding-DNA position 4079, G replaced by A.
Protein change: p.Ser1360Asn; replaces serine 1360 with asparagine.
Molecular consequence: missense variant. On other transcripts: intron variant (135).
Genome position (GRCh38, 1-based): chr17:43,091,452, C>T on the plus strand (G>A on the coding strand, the complement: BRCA1 is on the minus strand). VCF-style: chr17-43091452-C-T. GRCh37 (hg19) VCF-style: chr17-41243469-C-T.
Other names: c.3953G>A, p.Ser1318Asn (NM_001407649.1, NM_001407670.1, NM_001407671.1 and 11 more transcripts); c.4079G>A, p.Ser1360Asn (NM_001407652.1, NM_001407581.1, NM_001407582.1 and 30 more transcripts); c.4001G>A, p.Ser1334Asn (NM_001407653.1, NM_001407654.1, NM_001407655.1 and 4 more transcripts); c.3998G>A, p.Ser1333Asn (NM_001407659.1, NM_001407660.1, NM_001407661.1 and 1 more transcripts); c.3956G>A, p.Ser1319Asn (NM_001407664.1, NM_001407679.1, NM_001407680.1 and 19 more transcripts); c.3866G>A, p.Ser1289Asn (NM_001407571.1, NM_001407853.1, NM_001407894.1 and 9 more transcripts); c.4076G>A, p.Ser1359Asn (NM_001407587.1, NM_001407590.1, NM_001407591.1 and 22 more transcripts); c.4070G>A, p.Ser1357Asn (NM_001407646.1, NM_001407647.1); and 41 more; short protein forms S1313N, S1360N, S1233N, S1248N, S1271N, S1290N, S1357N, S1064N.
Identifiers: ClinVar variation 1060654 (VCV001060654.16), dbSNP rs2154265376, ClinGen allele CA10593801.
Genomic context (GRCh38, chr17:43,091,452, plus strand): 5'-CTATAAATAGACTGGGGCAAACACAAAAACCTGGTTCCAATACCTAAGTTTGAATCCATG[C>T]TTTGCTCTTCTTGATTATTTTCTTCCAAGCCCGTTCCTCTTTCTTCATCATCTGAAACCA-3'
Protein context (NP_009225.1, residues 1350-1370): GLEENNQEEQ[Ser1360Asn]MDSNLGEAAS